The following is an entry in ClinVar:

ClinVar aggregate classification (germline): Uncertain significance (1 of 4 stars; one submission).

Conditions:
Ataxia-telangiectasia-like disorder (ATLD). Identifiers: MedGen C1858391, MONDO:0011457.

Submission:

Labcorp Genetics (formerly Invitae), Labcorp
Classification: Uncertain significance for Ataxia-telangiectasia-like disorder. Last evaluated: 2022-06-07. Review status: criteria provided, single submitter. Criteria: Invitae Variant Classification Sherloc (09022015). Collection method: clinical testing. Allele origin: germline.
Comment: This sequence change replaces asparagine, which is neutral and polar, with lysine, which is basic and polar, at codon 115 of the MRE11 protein (p.Asn115Lys). This variant is not present in population databases (gnomAD no frequency). This variant has not been reported in the literature in individuals affected with MRE11-related conditions. Algorithms developed to predict the effect of missense changes on protein structure and function (SIFT, PolyPhen-2, Align-GVGD) all suggest that this variant is likely to be disruptive. In summary, the available evidence is currently insufficient to determine the role of this variant in disease. Therefore, it has been classified as a Variant of Uncertain Significance.

NM_005591.4(MRE11):c.345C>G (p.Asn115Lys)

Gene: MRE11 (MRE11 double strand break repair nuclease; minus strand). Cytogenetic location: 11q21.
Variant type: single nucleotide variant.
Coding change: c.345C>G on transcript NM_005591.4 (MANE Select); coding-DNA position 345, C replaced by G.
Protein change: p.Asn115Lys; replaces asparagine 115 with lysine.
Molecular consequence: missense variant.
Genome position (GRCh38, 1-based): chr11:94,479,731, G>C on the plus strand (C>G on the coding strand, the complement: MRE11 is on the minus strand). VCF-style: chr11-94479731-G-C. GRCh37 (hg19) VCF-style: chr11-94212897-G-C.
Other names: c.345C>G, p.Asn115Lys (NM_001330347.2, NM_005590.4); short protein forms N115K.
Identifiers: ClinVar variation 2002979 (VCV002002979.4), dbSNP rs2135091393, ClinGen allele CA382378538.